The following is an entry in ClinVar:

NM_152773.5(DYNLT2B):c.31G>T (p.Val11Leu)

Genes: DYNLT2B (dynein light chain Tctex-type 2B; minus strand), TM4SF19-DYNLT2B (TM4SF19-DYNLT2B readthrough (NMD candidate); minus strand), LOC129938285 (ATAC-STARR-seq lymphoblastoid active region 21087; plus strand). Cytogenetic location: 3q29.
Variant type: single nucleotide variant.
Coding change: c.31G>T on transcript NM_152773.5 (MANE Select); coding-DNA position 31, G replaced by T.
Protein change: p.Val11Leu; replaces valine 11 with leucine.
Molecular consequence: missense variant.
Genome position (GRCh38, 1-based): chr3:196,318,122, C>A on the plus strand (G>T on the coding strand, the complement: DYNLT2B is on the minus strand). VCF-style: chr3-196318122-C-A. GRCh37 (hg19) VCF-style: chr3-196044993-C-A.
Other names: c.31G>T, p.Val11Leu (NM_001351628.2); short protein forms V11L.
Identifiers: ClinVar variation 1973233 (VCV001973233.5), dbSNP rs1191627137, ClinGen allele CA355590790.

ClinVar aggregate classification (germline): Uncertain significance (1 of 4 stars; one submission).

Submission:

Labcorp Genetics (formerly Invitae), Labcorp
Classification: Uncertain significance. Last evaluated: 2022-05-03. Review status: criteria provided, single submitter. Criteria: Invitae Variant Classification Sherloc (09022015). Collection method: clinical testing. Allele origin: germline.
Comment: Algorithms developed to predict the effect of missense changes on protein structure and function (SIFT, PolyPhen-2, Align-GVGD) all suggest that this variant is likely to be tolerated. In summary, the available evidence is currently insufficient to determine the role of this variant in disease. Therefore, it has been classified as a Variant of Uncertain Significance. Algorithms developed to predict the effect of sequence changes on RNA splicing suggest that this variant may disrupt the consensus splice site. This variant has not been reported in the literature in individuals affected with TCTEX1D2-related conditions. This variant is not present in population databases (gnomAD no frequency). This sequence change replaces valine, which is neutral and non-polar, with leucine, which is neutral and non-polar, at codon 11 of the TCTEX1D2 protein (p.Val11Leu).